The following is an entry in ClinVar:

NM_006445.4(PRPF8):c.5353G>A (p.Val1785Ile)

Gene: PRPF8 (pre-mRNA processing factor 8; minus strand). Cytogenetic location: 17p13.3.
Variant type: single nucleotide variant.
Coding change: c.5353G>A on transcript NM_006445.4 (MANE Select); coding-DNA position 5353, G replaced by A.
Protein change: p.Val1785Ile; replaces valine 1785 with isoleucine.
Molecular consequence: missense variant.
Genome position (GRCh38, 1-based): chr17:1,658,549, C>T on the plus strand (G>A on the coding strand, the complement: PRPF8 is on the minus strand). VCF-style: chr17-1658549-C-T. GRCh37 (hg19) VCF-style: chr17-1561843-C-T.
Other names: short protein forms V1785I.
Identifiers: ClinVar variation 451688 (VCV000451688.5), dbSNP rs1555550982, ClinGen allele CA397572647.

ClinVar aggregate classification (germline): Pathogenic (1 of 4 stars; one submission).

Allele frequency attached by ClinVar (database versions not stated): gnomAD exomes below 0.00001.
gnomAD v4.1: 1 of 1,613,128 alleles (0.000062%); highest among the groups gnomAD compares: Non-Finnish European, 0.000085%; no homozygotes.

Submission:

GeneDx
Classification: Pathogenic. Last evaluated: 2024-05-22. Review status: criteria provided, single submitter. Criteria: GeneDx Variant Classification Process June 2021. Collection method: clinical testing. Allele origin: germline. Affected: yes.
Comment: Not observed at significant frequency in large population cohorts (gnomAD); In silico analysis indicates that this missense variant does not alter protein structure/function; This variant is associated with the following publications: (PMID: 35982159, 33057194, 35543142)